The following is an entry in ClinVar:

ClinVar aggregate classification (germline): Likely benign (1 of 4 stars; one submission).

Submission:

Laboratory for Molecular Medicine, Mass General Brigham Personalized Medicine
Classification: Likely benign. Last evaluated: 2015-05-07. Review status: criteria provided, single submitter. Criteria: LMM Criteria. Collection method: clinical testing. Allele origin: germline. Observed: 1 variant allele.
Comment: p.Ala4357Ala in exon 90 of RYR2: This variant is not expected to have clinical s ignificance because it does not alter an amino acid residue and is not located w ithin the splice consensus sequence.

NM_001035.3(RYR2):c.13071C>T (p.Ala4357=)

Genes: RYR2 (ryanodine receptor 2; plus strand), LOC126806068 (BRD4-independent group 4 enhancer GRCh37_chr1:237947411-237948610; plus strand). Cytogenetic location: 1q43.
Variant type: single nucleotide variant.
Coding change: c.13071C>T on transcript NM_001035.3 (MANE Select); coding-DNA position 13071, C replaced by T.
Protein change: p.Ala4357=; no amino-acid change (alanine 4357 retained).
Molecular consequence: synonymous variant.
Genome position (GRCh38, 1-based): chr1:237,784,783, C>T. VCF-style: chr1-237784783-C-T. GRCh37 (hg19) VCF-style: chr1-237948083-C-T.
Identifiers: ClinVar variation 227910 (VCV000227910.5), dbSNP rs876657574, ClinGen allele CA10576412.